The following is an entry in ClinVar:

ClinVar aggregate classification (germline): Uncertain significance (1 of 4 stars; one submission).

Conditions:
Developmental and epileptic encephalopathy, 33 (DEE33). Also called: Epileptic encephalopathy, early infantile, 33. Identifiers: Orphanet 442835, MedGen C4225337, MONDO:0014625, OMIM 616409.

Submission:

Labcorp Genetics (formerly Invitae), Labcorp
Classification: Uncertain significance for Developmental and epileptic encephalopathy, 33. Last evaluated: 2022-02-03. Review status: criteria provided, single submitter. Criteria: Invitae Variant Classification Sherloc (09022015). Collection method: clinical testing. Allele origin: germline.
Comment: In summary, the available evidence is currently insufficient to determine the role of this variant in disease. Therefore, it has been classified as a Variant of Uncertain Significance. Advanced modeling of protein sequence and biophysical properties (such as structural, functional, and spatial information, amino acid conservation, physicochemical variation, residue mobility, and thermodynamic stability) performed at Invitae indicates that this missense variant is expected to disrupt EEF1A2 protein function. ClinVar contains an entry for this variant (Variation ID: 1003385). This variant has not been reported in the literature in individuals affected with EEF1A2-related conditions. This variant is not present in population databases (gnomAD no frequency). This sequence change replaces glycine, which is neutral and non-polar, with valine, which is neutral and non-polar, at codon 260 of the EEF1A2 protein (p.Gly260Val).

NM_001958.5(EEF1A2):c.779G>T (p.Gly260Val)

Gene: EEF1A2 (eukaryotic translation elongation factor 1 alpha 2; minus strand). Cytogenetic location: 20q13.33.
Variant type: single nucleotide variant.
Coding change: c.779G>T on transcript NM_001958.5 (MANE Select); coding-DNA position 779, G replaced by T.
Protein change: p.Gly260Val; replaces glycine 260 with valine.
Molecular consequence: missense variant.
Genome position (GRCh38, 1-based): chr20:63,490,729, C>A on the plus strand (G>T on the coding strand, the complement: EEF1A2 is on the minus strand). VCF-style: chr20-63490729-C-A. GRCh37 (hg19) VCF-style: chr20-62122082-C-A.
Other names: short protein forms G260V.
Identifiers: ClinVar variation 1003385 (VCV001003385.9), dbSNP rs2082375053, ClinGen allele CA409648107.